The following is an entry in ClinVar:

NM_001103.4(ACTN2):c.2540C>T (p.Ala847Val)

Gene: ACTN2 (actinin alpha 2; plus strand). Cytogenetic location: 1q43.
Variant type: single nucleotide variant.
Coding change: c.2540C>T on transcript NM_001103.4 (MANE Select); coding-DNA position 2540, C replaced by T.
Protein change: p.Ala847Val; replaces alanine 847 with valine.
Molecular consequence: missense variant.
Genome position (GRCh38, 1-based): chr1:236,762,474, C>T. VCF-style: chr1-236762474-C-T. GRCh37 (hg19) VCF-style: chr1-236925774-C-T.
Other names: c.2540C>T, p.Ala847Val (NM_001278343.2); c.1916C>T, p.Ala639Val (NM_001278344.2); short protein forms A847V, A639V.
Identifiers: ClinVar variation 575734 (VCV000575734.16), dbSNP rs370569935, ClinGen allele CA1473487.

ClinVar aggregate classification (germline): Conflicting classifications of pathogenicity. Review status: criteria provided, conflicting classifications (1 of 4 stars). 3 submissions from 3 submitters: Uncertain significance (2); Likely benign (1). Last evaluated 2026-01-27.

Conditions:
Primary familial hypertrophic cardiomyopathy (HCM). Identifiers: Orphanet 99739, MedGen C0949658, MeSH D024741, MONDO:0024573. Inheritance: Various modes of inheritance.
Dilated cardiomyopathy 1AA (CMD1AA). Also called: CARDIOMYOPATHY, DILATED, 1AA, WITH OR WITHOUT LEFT VENTRICULAR NONCOMPACTION; CARDIOMYOPATHY, FAMILIAL HYPERTROPHIC, 23, WITH OR WITHOUT LEFT VENTRICULAR NONCOMPACTION; Cardiomyopathy, dilated, 1AA, with or without LVNC. Identifiers: Orphanet 154, MedGen C2677338, MONDO:0012808, OMIM 612158.
Cardiovascular phenotype. Identifiers: MedGen CN230736.

Allele frequency attached by ClinVar (database versions not stated): gnomAD exomes 0.00001; ExAC 0.00006; gnomAD 0.00009; TOPMed 0.00009; ESP Exome Variant Server 0.00015.
gnomAD v4.1: 29 of 1,614,010 alleles (0.0018%); highest among the groups gnomAD compares: African/African-American, 0.023%; no homozygotes.

Submissions (3):

Labcorp Genetics (formerly Invitae), Labcorp
Classification: Likely benign for Primary familial hypertrophic cardiomyopathy; Dilated cardiomyopathy 1AA. Last evaluated: 2026-01-27. Review status: criteria provided, single submitter. Criteria: Invitae Variant Classification Sherloc (09022015). Collection method: clinical testing. Allele origin: germline.

GeneDx
Classification: Uncertain significance. Last evaluated: 2024-09-10. Review status: criteria provided, single submitter. Criteria: GeneDx Variant Classification Process June 2021. Collection method: clinical testing. Allele origin: germline. Affected: yes.
Comment: Has not been previously published as pathogenic or benign to our knowledge; In silico analysis indicates that this missense variant does not alter protein structure/function

Ambry Genetics
Classification: Uncertain significance for Cardiovascular phenotype. Last evaluated: 2023-02-03. Review status: criteria provided, single submitter. Criteria: Ambry Variant Classification Scheme 2023. Collection method: clinical testing. Allele origin: germline.
Comment: The p.A847V variant (also known as c.2540C>T), located in coding exon 21 of the ACTN2 gene, results from a C to T substitution at nucleotide position 2540. The alanine at codon 847 is replaced by valine, an amino acid with similar properties. This amino acid position is not well conserved in available vertebrate species, and valine is the reference amino acid in other vertebrate species. In addition, this alteration is predicted to be tolerated by in silico analysis. Since supporting evidence is limited at this time, the clinical significance of this alteration remains unclear.